The following is an entry in ClinVar:

ClinVar aggregate classification (germline): Uncertain significance (1 of 4 stars; one submission).

Submission:

Laboratory for Molecular Medicine, Mass General Brigham Personalized Medicine
Classification: Uncertain significance. Last evaluated: 2012-05-23. Review status: criteria provided, single submitter. Criteria: LMM Criteria. Collection method: clinical testing. Allele origin: germline. Observed: 1 variant allele.
Comment: The Gly8136Val variant in TTN has not been reported in the literature nor previo usly identified by our laboratory. Computational analyses (biochemical amino aci d properties, conservation, PolyPhen2, and SIFT) suggest that the Gly8136Val var iant may impact the protein, though this information is not predictive enough to determine pathogenicity. In summary, additional information is needed to fully assess the clinical significance of the Gly8136Val variant.

NM_001267550.2(TTN):c.28139G>T (p.Gly9380Val)

Gene: TTN (titin; minus strand). Cytogenetic location: 2q31.2.
Variant type: single nucleotide variant.
Coding change: c.28139G>T on transcript NM_001267550.2 (MANE Select); coding-DNA position 28139, G replaced by T.
Protein change: p.Gly9380Val; replaces glycine 9380 with valine.
Molecular consequence: missense variant. On other transcripts: intron variant (3).
Genome position (GRCh38, 1-based): chr2:178,711,097, C>A on the plus strand (G>T on the coding strand, the complement: TTN is on the minus strand). VCF-style: chr2-178711097-C-A. GRCh37 (hg19) VCF-style: chr2-179575824-C-A.
Other names: c.24407G>T, p.Gly8136Val (NM_133378.4); c.27188G>T, p.Gly9063Val (NM_001256850.1); c.13282+26985G>T (NM_003319.4); c.13858+26985G>T (NM_133437.4); c.13657+26985G>T (NM_133432.3); short protein forms G9380V, G8136V, G9063V.
Identifiers: ClinVar variation 46807 (VCV000046807.5), dbSNP rs397517528, ClinGen allele CA139248.